The following is an entry in ClinVar:

NM_001165963.4(SCN1A):c.2366A>G (p.His789Arg)

Gene: SCN1A (sodium voltage-gated channel alpha subunit 1; minus strand). Cytogenetic location: 2q24.3.
Variant type: single nucleotide variant.
Coding change: c.2366A>G on transcript NM_001165963.4 (MANE Select); coding-DNA position 2366, A replaced by G.
Protein change: p.His789Arg; replaces histidine 789 with arginine.
Molecular consequence: missense variant. On other transcripts: 5 prime UTR variant (1), non-coding transcript variant (1).
Genome position (GRCh38, 1-based): chr2:166,041,280, T>C on the plus strand (A>G on the coding strand, the complement: SCN1A is on the minus strand). VCF-style: chr2-166041280-T-C. GRCh37 (hg19) VCF-style: chr2-166897790-T-C.
Other names: c.2282A>G, p.His761Arg (NM_001165964.3, NM_001353957.2, NM_001353958.2); c.2366A>G, p.His789Arg (NM_001202435.3, NM_001353948.2); c.2333A>G, p.His778Arg (NM_001353949.2, NM_001353950.2, NM_001353951.2 and 2 more transcripts); c.2330A>G, p.His777Arg (NM_001353954.2, NM_001353955.2); c.2279A>G, p.His760Arg (NM_001353960.2); c.-93A>G (NM_001353961.2); short protein forms H760R, H761R, H777R, H778R, H789R.
Identifiers: ClinVar variation 4813556 (VCV004813556.1).

ClinVar aggregate classification (germline): Uncertain significance (1 of 4 stars; one submission).

Conditions:
Generalized epilepsy with febrile seizures plus, type 2 (GEFSP2). Also called: GEFS+, TYPE 2. Identifiers: Orphanet 36387, MedGen C1858673, MONDO:0011461, OMIM 604403.

Submission:

Mendelics
Classification: Uncertain significance for Generalized epilepsy with febrile seizures plus, type 2. Last evaluated: 2026-03-05. Review status: criteria provided, single submitter. Criteria: ACMG Guidelines, 2015. Collection method: clinical testing. Allele origin: unknown.
Comment: The available evidence is insufficient to conclusively determine the role of this variant. Therefore, it is classified as a Variant of Uncertain Significance.